The following is an entry in ClinVar:

NM_173500.4(TTBK2):c.3589T>G (p.Ser1197Ala)

Gene: TTBK2 (tau tubulin kinase 2; minus strand). Cytogenetic location: 15q15.2.
Variant type: single nucleotide variant.
Coding change: c.3589T>G on transcript NM_173500.4 (MANE Select); coding-DNA position 3589, T replaced by G.
Protein change: p.Ser1197Ala; replaces serine 1197 with alanine.
Molecular consequence: missense variant.
Genome position (GRCh38, 1-based): chr15:42,745,941, A>C on the plus strand (T>G on the coding strand, the complement: TTBK2 is on the minus strand). VCF-style: chr15-42745941-A-C. GRCh37 (hg19) VCF-style: chr15-43038139-A-C.
Other names: short protein forms S1197A.
Identifiers: ClinVar variation 1917783 (VCV001917783.6), dbSNP rs2061787407, ClinGen allele CA392065142.

ClinVar aggregate classification (germline): Uncertain significance. Review status: criteria provided, multiple submitters, no conflicts (2 of 4 stars). 2 submissions from 2 submitters: Uncertain significance (2). Last evaluated 2025-02-27.

Conditions:
Inborn genetic diseases. Identifiers: MedGen C0950123, MeSH D030342.

Allele frequency attached by ClinVar (database versions not stated): TOPMed below 0.00001.

Submissions (2):

Labcorp Genetics (formerly Invitae), Labcorp
Classification: Uncertain significance. Last evaluated: 2025-02-27. Review status: criteria provided, single submitter. Criteria: Invitae Variant Classification Sherloc (09022015). Collection method: clinical testing. Allele origin: germline.
Comment: This sequence change replaces serine, which is neutral and polar, with alanine, which is neutral and non-polar, at codon 1197 of the TTBK2 protein (p.Ser1197Ala). This variant is not present in population databases (gnomAD no frequency). This variant has not been reported in the literature in individuals affected with TTBK2-related conditions. ClinVar contains an entry for this variant (Variation ID: 1917783). An algorithm developed to predict the effect of missense changes on protein structure and function (PolyPhen-2) suggests that this variant is likely to be disruptive. In summary, the available evidence is currently insufficient to determine the role of this variant in disease. Therefore, it has been classified as a Variant of Uncertain Significance.

Ambry Genetics
Classification: Uncertain significance for Inborn genetic diseases. Last evaluated: 2024-05-14. Review status: criteria provided, single submitter. Criteria: Ambry Variant Classification Scheme 2023. Collection method: clinical testing. Allele origin: germline.